The following is an entry in ClinVar:

ClinVar aggregate classification (germline): Uncertain significance. Review status: criteria provided, multiple submitters, no conflicts (2 of 4 stars). 2 submissions from 2 submitters: Uncertain significance (2). Last evaluated 2024-03-18.

Conditions:
Retinal dystrophy. Also called: Inherited retinal dystrophy. Identifiers: Orphanet 71862, MedGen C0854723, MeSH D058499, MONDO:0019118, HP:0000556.

Allele frequency attached by ClinVar (database versions not stated): ExAC 0.00001.
gnomAD v4.1: 10 of 1,614,026 alleles (0.00062%); highest among the groups gnomAD compares: East Asian, 0.016%; no homozygotes.

Submissions (2):

Labcorp Genetics (formerly Invitae), Labcorp
Classification: Uncertain significance. Last evaluated: 2024-03-18. Review status: criteria provided, single submitter. Criteria: Invitae Variant Classification Sherloc (09022015). Collection method: clinical testing. Allele origin: germline.
Comment: This sequence change replaces threonine, which is neutral and polar, with isoleucine, which is neutral and non-polar, at codon 1651 of the RP1 protein (p.Thr1651Ile). This variant is present in population databases (rs767656344, gnomAD 0.006%). This variant has not been reported in the literature in individuals affected with RP1-related conditions. Algorithms developed to predict the effect of missense changes on protein structure and function output the following: SIFT: "Not Available"; PolyPhen-2: "Benign"; Align-GVGD: "Not Available". The isoleucine amino acid residue is found in multiple mammalian species, which suggests that this missense change does not adversely affect protein function. In summary, the available evidence is currently insufficient to determine the role of this variant in disease. Therefore, it has been classified as a Variant of Uncertain Significance.

Dept Of Ophthalmology, Nagoya University
Classification: Uncertain significance for Retinal dystrophy. Last evaluated: 2023-10-01. Review status: criteria provided, single submitter. Criteria: Submitter's publication. Collection method: research. Allele origin: germline. Affected: yes.

NM_006269.2(RP1):c.4952C>T (p.Thr1651Ile)

Genes: RP1 (RP1 axonemal microtubule associated; plus strand), LOC126860392 (CDK7 strongly-dependent group 2 enhancer GRCh37_chr8:55541319-55542518; plus strand). Cytogenetic location: 8q12.1.
Variant type: single nucleotide variant.
Coding change: c.4952C>T on transcript NM_006269.2 (MANE Select); coding-DNA position 4952, C replaced by T.
Protein change: p.Thr1651Ile; replaces threonine 1651 with isoleucine.
Molecular consequence: missense variant. On other transcripts: intron variant (1).
Genome position (GRCh38, 1-based): chr8:54,628,834, C>T. VCF-style: chr8-54628834-C-T. GRCh37 (hg19) VCF-style: chr8-55541394-C-T.
Other names: c.787+6546C>T (NM_001375654.1); short protein forms T1651I.
Identifiers: ClinVar variation 3028125 (VCV003028125.3), dbSNP rs767656344, ClinGen allele CA4751975.
Genomic context (GRCh38, chr8:54,628,834, plus strand): 5'-CAATAGAAAAACTGTACGGTAAAGCAGATATTATCAAACCATCTTTTTTTCCTGGGTCTA[C>T]CCGCAAATCTCAGGTTTGTCCTTATAATTCTGTGGAATTTCAGTGTTCCAGGAAAGCAAG-3'
Protein context (NP_006260.1, residues 1641-1661): IIKPSFFPGS[Thr1651Ile]RKSQVCPYNS